The following is an entry in ClinVar:

NM_001267550.2(TTN):c.107892_107897del (p.Gln35964_Gly35966delinsHis)

Genes: TTN (titin; minus strand), TTN-AS1 (TTN antisense RNA 1; plus strand). Cytogenetic location: 2q31.2.
Variant type: Deletion.
Coding change: c.107892_107897del on transcript NM_001267550.2 (MANE Select); coding-DNA positions 107892 to 107897, 6 bases deleted (AGATGG; older notation c.107892_107897delAGATGG).
Protein change: p.Gln35964_Gly35966delinsHis.
Molecular consequence: inframe indel.
Genome position (GRCh38, 1-based): chr2:178,527,091-178,527,096, CCATCT deleted on the plus strand (AGATGG on the coding strand, the reverse complement: TTN is on the minus strand). VCF-style (leftmost placement, unchanged base first): chr2-178527090-ACCATCT-A. GRCh37 (hg19) VCF-style: chr2-179391817-ACCATCT-A.
Other names: AJ277892.2:g.293381_293386delAGATGG; c.100188_100193delAGATGG (NM_133378.4); c.102969_102974del, p.Gln34323_Gly34325delinsHis (NM_001256850.1); c.80697_80702del, p.Gln26899_Gly26901delinsHis (NM_003319.4); c.100188_100193del, p.Gln33396_Gly33398delinsHis (NM_133378.4); c.81072_81077del, p.Gln27024_Gly27026delinsHis (NM_133432.3); c.81273_81278del, p.Gln27091_Gly27093delinsHis (NM_133437.4).
Identifiers: ClinVar variation 38441 (VCV000038441.3), dbSNP rs281864933, ClinGen allele CA343096.

ClinVar aggregate classification (germline): Pathogenic (0 of 4 stars; one submission).

Conditions:
Tibial muscular dystrophy (TMD). Also called: Tibial muscular dystrophy, tardive; UDD MYOPATHY; Udd Distal Myopathy – Tibial Muscular Dystrophy. Identifiers: Orphanet 609, MedGen C1838244, MONDO:0010870, OMIM 600334.

Submission:

GeneReviews
Classification: Pathogenic for Udd Distal Myopathy. Last evaluated: 2012-08-23. Review status: no assertion criteria provided. Collection method: curation. Allele origin: unknown.
ClinVar note: Converted during submission from pathologic to Pathogenic.